The following is an entry in ClinVar:

NM_001851.6(COL9A1):c.443G>A (p.Gly148Asp)

Gene: COL9A1 (collagen type IX alpha 1 chain; minus strand). Cytogenetic location: 6q13.
Variant type: single nucleotide variant.
Coding change: c.443G>A on transcript NM_001851.6 (MANE Select); coding-DNA position 443, G replaced by A.
Protein change: p.Gly148Asp; replaces glycine 148 with aspartic acid.
Molecular consequence: missense variant.
Genome position (GRCh38, 1-based): chr6:70,294,420, C>T on the plus strand (G>A on the coding strand, the complement: COL9A1 is on the minus strand). VCF-style: chr6-70294420-C-T. GRCh37 (hg19) VCF-style: chr6-71004123-C-T.
Other names: c.443G>A, p.Gly148Asp (NM_001377291.1); short protein forms G148D.
Identifiers: ClinVar variation 2664923 (VCV002664923.1), dbSNP rs2483499789, ClinGen allele CA364671456.

ClinVar aggregate classification (germline): Uncertain significance (1 of 4 stars; one submission).

Conditions:
Stickler syndrome, type 4 (STL4). Identifiers: Orphanet 250984, Orphanet 828, MedGen C3279941, MONDO:0013590, OMIM 614134.

Submission:

Neuberg Centre For Genomic Medicine, NCGM
Classification: Uncertain significance for Stickler syndrome, type 4. Last evaluated: 2023-03-01. Review status: criteria provided, single submitter. Criteria: ACMG Guidelines, 2015. Collection method: clinical testing. Allele origin: germline. Inheritance: Autosomal recessive inheritance. Affected: yes.
Comment: The missense c.443G>A(p.Gly148Asp) variant in COL9A1 gene has not been reported previously as a pathogenic variant nor a benign variant, to our knowledge. The p.Gly148Asp variant is novel (not in any individuals) in both gnomAD Exomes and 1000 Genomes databases. This variant has not been reported to the ClinVar database. The amino acid change p.Gly148Asp in COL9A1 is predicted as conserved by GERP++ and PhyloP across 100 vertebrates. The amino acid Gly at position 148 is changed to a Asp changing protein sequence and it might alter its composition and physico-chemical properties. For these reasons, this variant has been classified as a Variant of Uncertain Significance (VUS).